The following is an entry in ClinVar:

ClinVar aggregate classification (germline): Uncertain significance. Review status: criteria provided, multiple submitters, no conflicts (2 of 4 stars). 2 submissions from 2 submitters: Uncertain significance (2). Last evaluated 2022-08-22.

Conditions:
Inborn genetic diseases. Identifiers: MedGen C0950123, MeSH D030342.

Submissions (2):

Labcorp Genetics (formerly Invitae), Labcorp
Classification: Uncertain significance. Last evaluated: 2022-08-22. Review status: criteria provided, single submitter. Criteria: Invitae Variant Classification Sherloc (09022015). Collection method: clinical testing. Allele origin: germline.
Comment: ClinVar contains an entry for this variant (Variation ID: 1386546). This variant has not been reported in the literature in individuals affected with TTPA-related conditions. This variant is not present in population databases (gnomAD no frequency). This sequence change replaces methionine, which is neutral and non-polar, with threonine, which is neutral and polar, at codon 209 of the TTPA protein (p.Met209Thr). In summary, the available evidence is currently insufficient to determine the role of this variant in disease. Therefore, it has been classified as a Variant of Uncertain Significance. Algorithms developed to predict the effect of missense changes on protein structure and function (SIFT, PolyPhen-2, Align-GVGD) all suggest that this variant is likely to be disruptive.

Ambry Genetics
Classification: Uncertain significance for Inborn genetic diseases. Last evaluated: 2021-11-15. Review status: criteria provided, single submitter. Criteria: Ambry Variant Classification Scheme 2023. Collection method: clinical testing. Allele origin: germline.

NM_000370.3(TTPA):c.626T>C (p.Met209Thr)

Gene: TTPA (alpha tocopherol transfer protein; minus strand). Cytogenetic location: 8q12.3.
Variant type: single nucleotide variant.
Coding change: c.626T>C on transcript NM_000370.3 (MANE Select); coding-DNA position 626, T replaced by C.
Protein change: p.Met209Thr; replaces methionine 209 with threonine.
Molecular consequence: missense variant.
Genome position (GRCh38, 1-based): chr8:63,064,243, A>G on the plus strand (T>C on the coding strand, the complement: TTPA is on the minus strand). VCF-style: chr8-63064243-A-G. GRCh37 (hg19) VCF-style: chr8-63976802-A-G.
Other names: short protein forms M209T.
Identifiers: ClinVar variation 1386546 (VCV001386546.7), dbSNP rs2129741443, ClinGen allele CA371332102.
Genomic context (GRCh38, chr8:63,064,243, plus strand): 5'-AGACTTGAATATATTTTACTCACCCGTTCCTTAATTTTTTCAGTCAGGAATGGTTTGATC[A>G]TGGAAAAGACAGCATGGAAAATTACTGGTTCATTTATCAAATGGATGCCACGAACTTTCA-3'
Protein context (NP_000361.1, residues 199-219): EPVIFHAVFS[Met209Thr]IKPFLTEKIK